The following is an entry in ClinVar:

NM_007074.4(CORO1A):c.1078del (p.Gln360fs)

Gene: CORO1A (coronin 1A; plus strand). Cytogenetic location: 16p11.2.
Variant type: Deletion.
Coding change: c.1078del on transcript NM_007074.4 (MANE Select); coding-DNA position 1078, one base deleted (C; older notation c.1078delC).
Protein change: p.Gln360fs; shifts the reading frame from glutamine 360.
Molecular consequence: frameshift variant.
Genome position (GRCh38, 1-based): chr16:30,188,373, C deleted; the last of 2 consecutive C bases (chr16:30,188,372-30,188,373); deleting either gives the same sequence. VCF-style (leftmost placement, unchanged base first): chr16-30188371-TC-T. GRCh37 (hg19) VCF-style: chr16-30199692-TC-T.
Other names: c.1078del, p.Gln360fs (NM_001193333.3); c.1078delC (NM_007074.3); short protein forms Q360fs.
Identifiers: ClinVar variation 157509 (VCV000157509.10), dbSNP rs606231256, ClinGen allele CA249857.
Genomic context (GRCh38, chr16:30,188,371, plus strand): 5'-GGGTGTCCTGGCATAAGCGCTTTCCTCACTATCCCTGGCCTTGCCCACAGTCGGACCTGT[TC>T]CAGGAGGACCTGTACCCACCCACCGCAGGGCCCGACCCTGCCCTCACGGCTGAGGAGTGG-3'

ClinVar aggregate classification (germline): Pathogenic. Review status: criteria provided, single submitter (1 of 4 stars). 2 submissions from 2 submitters: Pathogenic (1). 1 of the submissions does not count toward it. Last evaluated 2018-11-08.

Conditions:
Severe combined immunodeficiency due to CORO1A deficiency. Also called: IMMUNODEFICIENCY 8 WITH LYMPHOPROLIFERATION; Immunodeficiency 8. Identifiers: Orphanet 228003, MedGen C3809383, MONDO:0014168, OMIM 615401.

Submissions (2):

Labcorp Genetics (formerly Invitae), Labcorp
Classification: Pathogenic for Severe combined immunodeficiency due to CORO1A deficiency. Last evaluated: 2018-11-08. Review status: criteria provided, single submitter. Criteria: Invitae Variant Classification Sherloc (09022015). Collection method: clinical testing. Allele origin: germline.
Comment: This sequence change creates a premature translational stop signal (p.Gln360Argfs*45) in the CORO1A gene. It is expected to result in an absent or disrupted protein product. For these reasons, this variant has been classified as Pathogenic. Loss-of-function variants in CORO1A are known to be pathogenic (PMID: 18836449, 25073507). This variant has been observed to segregate with combined immunodeficiency and selective T cell deficiency in a family (PMID: 25073507). This variant is also known as c.1077delC in the literature. ClinVar contains an entry for this variant (Variation ID: 157509). This variant is not present in population databases (ExAC no frequency).

OMIM
Classification: Pathogenic for IMMUNODEFICIENCY 8 WITH LYMPHOPROLIFERATION. Last evaluated: 2014-10-01. Review status: no assertion criteria provided. Collection method: literature only. Allele origin: germline. Not counted in ClinVar's aggregate classification.

Literature cited by the submitters: PubMed 18836449 (cited by Labcorp Genetics (formerly Invitae), Labcorp); PubMed 25073507 (cited by Labcorp Genetics (formerly Invitae), Labcorp and OMIM).